The following is an entry in ClinVar:

NM_032217.5(ANKRD17):c.5900C>T (p.Ser1967Leu)

Gene: ANKRD17 (ankyrin repeat domain 17; minus strand). Cytogenetic location: 4q13.3.
Variant type: single nucleotide variant.
Coding change: c.5900C>T on transcript NM_032217.5 (MANE Select); coding-DNA position 5900, C replaced by T.
Protein change: p.Ser1967Leu; replaces serine 1967 with leucine.
Molecular consequence: missense variant.
Genome position (GRCh38, 1-based): chr4:73,091,728, G>A on the plus strand (C>T on the coding strand, the complement: ANKRD17 is on the minus strand). VCF-style: chr4-73091728-G-A. GRCh37 (hg19) VCF-style: chr4-73957445-G-A.
Other names: c.5561C>T, p.Ser1854Leu (NM_001286771.3); c.5897C>T, p.Ser1966Leu (NM_015574.2); c.5147C>T, p.Ser1716Leu (NM_198889.3); short protein forms S1716L, S1854L, S1966L, S1967L.
Identifiers: ClinVar variation 4976336 (VCV004976336.1).

ClinVar aggregate classification (germline): Uncertain significance (1 of 4 stars; one submission).

Submission:

GeneDx
Classification: Uncertain significance. Last evaluated: 2026-02-06. Review status: criteria provided, single submitter. Criteria: GeneDx Variant Classification Process June 2021. Collection method: clinical testing. Allele origin: germline.
Comment: Not observed at significant frequency in large population cohorts (gnomAD); In silico analysis suggests that this missense variant does not alter protein structure/function; Has not been previously published as pathogenic or benign to our knowledge